The following is an entry in ClinVar:

ClinVar aggregate classification (germline): Likely pathogenic (1 of 4 stars; one submission).

Conditions:
Intellectual developmental disorder 61. Also called: MENTAL RETARDATION, AUTOSOMAL DOMINANT 61; INTELLECTUAL DEVELOPMENTAL DISORDER, AUTOSOMAL DOMINANT 61. Identifiers: MedGen C5231400, MONDO:0032485, OMIM 618009.

Submission:

3billion
Classification: Likely pathogenic for Intellectual developmental disorder 61. Last evaluated: 2024-09-28. Review status: criteria provided, single submitter. Criteria: ACMG Guidelines, 2015. Collection method: clinical testing. Allele origin: germline. Affected: yes.
Comment: The variant is not observed in the gnomAD v4.1.0 dataset. Predicted Consequence/Location: Frameshift: predicted to result in a loss or disruption of normal protein function through nonsense-mediated decay (NMD) or protein truncation. Multiple pathogenic variants are reported downstream of the variant. Therefore, this variant is classified as Likely pathogenic according to the recommendation of ACMG/AMP guideline.

NM_005121.3(MED13):c.1048del (p.Ser350fs)

Gene: MED13 (mediator complex subunit 13; minus strand). Cytogenetic location: 17q23.2.
Variant type: Deletion.
Coding change: c.1048del on transcript NM_005121.3 (MANE Select); coding-DNA position 1048, one base deleted (T; older notation c.1048delT).
Protein change: p.Ser350fs; shifts the reading frame from serine 350.
Molecular consequence: frameshift variant.
Genome position (GRCh38, 1-based): chr17:62,029,975, A deleted on the plus strand (T on the coding strand, the reverse complement: MED13 is on the minus strand); the first of 2 consecutive A bases (chr17:62,029,975-62,029,976); deleting either gives the same sequence. VCF-style (leftmost placement, unchanged base first): chr17-62029974-GA-G. GRCh37 (hg19) VCF-style: chr17-60107335-GA-G.
Other names: short protein forms S350fs.
Identifiers: ClinVar variation 4293046 (VCV004293046.1).
Genomic context (GRCh38, chr17:62,029,974, plus strand): 5'-TTTCTGGGTATTTTCCCACCATGGTGGCTAGTACTATCGGAGTTGAAGCCATCAGATACT[GA>G]AGAAAATTTGACCCACTTCTGGACAGACTGAGGATCAACTGAAAACAAAACAAAAAAACA-3'